The following is an entry in ClinVar:

NM_001042492.3(NF1):c.3331del (p.Phe1110_Met1111insTer)

Gene: NF1 (neurofibromin 1; plus strand). Cytogenetic location: 17q11.2.
Variant type: Deletion.
Coding change: c.3331del on transcript NM_001042492.3 (MANE Select); coding-DNA position 3331, one base deleted (A; older notation c.3331delA).
Protein change: p.Phe1110_Met1111insTer.
Molecular consequence: nonsense. On other transcripts: frameshift variant (1).
Genome position (GRCh38, 1-based): chr17:31,232,716, A deleted. VCF-style (leftmost placement, unchanged base first): chr17-31232715-TA-T. GRCh37 (hg19) VCF-style: chr17-29559733-TA-T.
Other names: c.3331delA (NM_000267.3); c.3331delA, p.Met1111Terfs (NM_000267.4).
Identifiers: ClinVar variation 842681 (VCV000842681.7), dbSNP rs2067134394, ClinGen allele CA916080655.

ClinVar aggregate classification (germline): Pathogenic. Review status: criteria provided, multiple submitters, no conflicts (2 of 4 stars). 2 submissions from 2 submitters: Pathogenic (2). Last evaluated 2023-06-12.

Conditions:
Hereditary cancer-predisposing syndrome. Also called: Neoplastic Syndromes, Hereditary; Hereditary neoplastic syndrome; Tumor predisposition; Hereditary Cancer Syndrome. Identifiers: Orphanet 140162, MedGen C0027672, MeSH D009386, MONDO:0015356.
Cardiovascular phenotype. Identifiers: MedGen CN230736.
Neurofibromatosis, type 1 (NF1). Also called: Peripheral type neurofibromatosis; VON RECKLINGHAUSEN DISEASE; Neurofibromatosis, type I; NEUROFIBROMATOSIS, TYPE I, SOMATIC. Identifiers: Orphanet 636, MedGen C0027831, MONDO:0018975, OMIM 162200. Disease mechanism: loss of function.

Submissions (2):

Ambry Genetics
Classification: Pathogenic for Cardiovascular phenotype; Hereditary cancer-predisposing syndrome. Last evaluated: 2023-06-12. Review status: criteria provided, single submitter. Criteria: Ambry Variant Classification Scheme 2023. Collection method: clinical testing. Allele origin: germline.
Comment: The c.3331delA pathogenic mutation, located in coding exon 26 of the NF1 gene, results from a deletion of one nucleotide at nucleotide position 3331, causing a translational frameshift with a predicted alternate stop codon (p.M1111*). This alteration has been observed in at least one individual with a personal and/or family history that is consistent with NF1-related disease (Ambry internal data; Demir G&uuml;ndoan B et al. Turk J Med Sci, 2021 Aug). This variant is considered to be rare based on population cohorts in the Genome Aggregation Database (gnomAD). In addition to the clinical data presented in the literature, this alteration is expected to result in loss of function by premature protein truncation or nonsense-mediated mRNA decay. As such, this alteration is interpreted as a disease-causing mutation.

Labcorp Genetics (formerly Invitae), Labcorp
Classification: Pathogenic for Neurofibromatosis, type 1. Last evaluated: 2019-03-02. Review status: criteria provided, single submitter. Criteria: Invitae Variant Classification Sherloc (09022015). Collection method: clinical testing. Allele origin: germline.
Comment: This variant is not present in population databases (ExAC no frequency). This sequence change creates a premature translational stop signal (p.Met1111*) in the NF1 gene. It is expected to result in an absent or disrupted protein product. For these reasons, this variant has been classified as Pathogenic. Loss-of-function variants in NF1 are known to be pathogenic (PMID: 10712197, 23913538). This variant has not been reported in the literature in individuals with NF1-related conditions.

Literature cited by the submitters: PubMed 10712197 (cited by Labcorp Genetics (formerly Invitae), Labcorp); PubMed 23913538 (cited by Labcorp Genetics (formerly Invitae), Labcorp).